The following is an entry in ClinVar:

ClinVar aggregate classification (germline): Uncertain significance. Review status: criteria provided, single submitter (1 of 4 stars). 2 submissions from 2 submitters: Uncertain significance (1). 1 of the submissions does not count toward it. Last evaluated 2022-10-18.

Conditions:
EP300-related disorder. Also called: EP300-related condition; EP300-related disorders.

Allele frequency attached by ClinVar (database versions not stated): gnomAD exomes below 0.00001.
gnomAD v4.1: 2 of 1,614,112 alleles (0.00012%); highest among the groups gnomAD compares: East Asian, 0.0022%; no homozygotes.

Submissions (2):

GeneDx
Classification: Uncertain significance. Last evaluated: 2022-10-18. Review status: criteria provided, single submitter. Criteria: GeneDx Variant Classification Process June 2021. Collection method: clinical testing. Allele origin: germline. Affected: yes.
Comment: Not observed at significant frequency in large population cohorts (gnomAD); In silico analysis supports that this missense variant does not alter protein structure/function; Has not been previously published as pathogenic or benign to our knowledge

PreventionGenetics, part of Exact Sciences
Classification: Uncertain significance for EP300-related condition. Last evaluated: 2023-12-19. Review status: no assertion criteria provided. Collection method: clinical testing. Allele origin: germline. Not counted in ClinVar's aggregate classification.
Comment: The EP300 c.5704G>A variant is predicted to result in the amino acid substitution p.Ala1902Thr. To our knowledge, this variant has not been reported in the literature or in a large population database, indicating this variant is rare. At this time, the clinical significance of this variant is uncertain due to the absence of conclusive functional and genetic evidence.

NM_001429.4(EP300):c.5704G>A (p.Ala1902Thr)

Gene: EP300 (E1A binding protein p300; plus strand). Cytogenetic location: 22q13.2.
Variant type: single nucleotide variant.
Coding change: c.5704G>A on transcript NM_001429.4 (MANE Select); coding-DNA position 5704, G replaced by A.
Protein change: p.Ala1902Thr; replaces alanine 1902 with threonine.
Molecular consequence: missense variant.
Genome position (GRCh38, 1-based): chr22:41,177,415, G>A. VCF-style: chr22-41177415-G-A. GRCh37 (hg19) VCF-style: chr22-41573419-G-A.
Other names: c.5626G>A, p.Ala1876Thr (NM_001362843.2); short protein forms A1876T, A1902T.
Identifiers: ClinVar variation 2499974 (VCV002499974.2), dbSNP rs2145517202, ClinGen allele CA411709667.